The following is an entry in ClinVar:

NM_001113491.2(SEPTIN9):c.*1896A>G

Gene: SEPTIN9 (septin 9; plus strand). Cytogenetic location: 17q25.3.
Variant type: single nucleotide variant.
Coding change: c.*1896A>G on transcript NM_001113491.2 (MANE Select); 1896 bases downstream of the stop codon, A replaced by G.
Molecular consequence: 3 prime UTR variant.
Genome position (GRCh38, 1-based): chr17:77,500,554, A>G. VCF-style: chr17-77500554-A-G. GRCh37 (hg19) VCF-style: chr17-75496636-A-G.
Other names: c.*1896A>G (NM_001113492.2, NM_001113493.2, NM_001113494.1 and 7 more transcripts).
Identifiers: ClinVar variation 325617 (VCV000325617.5), dbSNP rs189204974, ClinGen allele CA10640783.
Genomic context (GRCh38, chr17:77,500,554, plus strand): 5'-CCTTTTGCTACGTGCCTCCCGAGAAATTTGTCTTTTTGTATAAATGACAAAGTGTTGAAA[A>G]TGTATTTCCTGAAATAAATGTTTCAAATGCAGAAACCCAGAAGGCTCCTGAGTGAGAATG-3'

ClinVar aggregate classification (germline): Benign (1 of 4 stars; one submission).

Conditions:
Amyotrophic neuralgia (HNA). Also called: AMYOTROPHY, HEREDITARY NEURALGIC; Hereditary Brachial Plexus Neuropathy; Neuritis with Brachial Predilection; AMYOTROPHY, HEREDITARY NEURALGIC, WITH PREDILECTION FOR BRACHIAL PLEXUS. Identifiers: Orphanet 2901, MedGen C1834304, MONDO:0008076, OMIM 162100.

Allele frequency attached by ClinVar (database versions not stated): gnomAD 0.00032 and 0.00036; TOPMed 0.00045; gnomAD exomes 0.00050; 1000 Genomes Project 30x 0.00109; 1000 Genomes Project 0.00120.
gnomAD v4.1: 75 of 195,496 alleles (0.038%); highest among the groups gnomAD compares: East Asian, 0.57%; no homozygotes.

Submission:

Illumina Laboratory Services, Illumina
Classification: Benign for Amyotrophy, hereditary neuralgic. Last evaluated: 2018-01-12. Review status: criteria provided, single submitter. Criteria: ICSL Variant Classification Criteria 13 December 2019. Collection method: clinical testing. Allele origin: germline.
Comment: This variant was observed in the ICSL laboratory as part of a predisposition screen in an ostensibly healthy population. It had not been previously curated by ICSL or reported in the Human Gene Mutation Database (HGMD: prior to June 1st, 2018), and was therefore a candidate for classification through an automated scoring system. Utilizing variant allele frequency, disease prevalence and penetrance estimates, and inheritance mode, an automated score was calculated to assess if this variant is too frequent to cause the disease. Based on the score and internal cut-off values, a variant classified as benign is not then subjected to further curation. The score for this variant resulted in a classification of benign for this disease.